The following is an entry in ClinVar:

ClinVar aggregate classification (germline): Uncertain significance (1 of 4 stars; one submission).

Submission:

Dasa
Classification: Uncertain significance. Last evaluated: 2026-06-25. Review status: criteria provided, single submitter. Criteria: DASA Assertion Criteria. Collection method: clinical testing. Allele origin: germline.
Comment: NM_170606.3(KMT2C):c.10164C>A (p.Asn3388Lys) is a missense variant that results in the substitution of asparagine with lysine. This variant is rare in population databases. The currently available literature and clinical evidence are not sufficient to establish a definitive association between this variant and the reported condition. Therefore, this variant is classified as a variant of uncertain significance.

NM_170606.3(KMT2C):c.10164C>A (p.Asn3388Lys)

Gene: KMT2C (lysine methyltransferase 2C; minus strand). Cytogenetic location: 7q36.1.
Variant type: single nucleotide variant.
Coding change: c.10164C>A on transcript NM_170606.3 (MANE Select); coding-DNA position 10164, C replaced by A.
Protein change: p.Asn3388Lys; replaces asparagine 3388 with lysine.
Molecular consequence: missense variant.
Genome position (GRCh38, 1-based): chr7:152,163,413, G>T on the plus strand (C>A on the coding strand, the complement: KMT2C is on the minus strand). VCF-style: chr7-152163413-G-T. GRCh37 (hg19) VCF-style: chr7-151860498-G-T.
Other names: short protein forms N3388K.
Identifiers: ClinVar variation 5020305 (VCV005020305.1).